The following is an entry in ClinVar:

ClinVar aggregate classification (germline): Uncertain significance (1 of 4 stars; one submission).

Conditions:
Developmental and epileptic encephalopathy, 23 (DEE23). Also called: Epileptic encephalopathy, early infantile, 23. Identifiers: Orphanet 411986, MedGen C4014492, MONDO:0014371, OMIM 615859.

Allele frequency attached by ClinVar (database versions not stated): gnomAD exomes below 0.00001 and 0.00001; TOPMed below 0.00001; ExAC 0.00001; gnomAD 0.00001.
gnomAD v4.1: 6 of 1,613,342 alleles (0.00037%); highest among the groups gnomAD compares: Non-Finnish European, 0.00051%; no homozygotes.

Submission:

Labcorp Genetics (formerly Invitae), Labcorp
Classification: Uncertain significance for Developmental and epileptic encephalopathy, 23. Last evaluated: 2022-01-11. Review status: criteria provided, single submitter. Criteria: Invitae Variant Classification Sherloc (09022015). Collection method: clinical testing. Allele origin: germline.
Comment: This sequence change replaces valine, which is neutral and non-polar, with isoleucine, which is neutral and non-polar, at codon 1742 of the DOCK7 protein (p.Val1742Ile). This variant is present in population databases (rs758110519, gnomAD 0.01%). This variant has not been reported in the literature in individuals affected with DOCK7-related conditions. ClinVar contains an entry for this variant (Variation ID: 963433). Algorithms developed to predict the effect of missense changes on protein structure and function (SIFT, PolyPhen-2, Align-GVGD) all suggest that this variant is likely to be tolerated. In summary, the available evidence is currently insufficient to determine the role of this variant in disease. Therefore, it has been classified as a Variant of Uncertain Significance.

NM_001367561.1(DOCK7):c.5251G>A (p.Val1751Ile)

Gene: DOCK7 (dedicator of cytokinesis 7; minus strand). Cytogenetic location: 1p31.3.
Variant type: single nucleotide variant.
Coding change: c.5251G>A on transcript NM_001367561.1 (MANE Select); coding-DNA position 5251, G replaced by A.
Protein change: p.Val1751Ile; replaces valine 1751 with isoleucine.
Molecular consequence: missense variant.
Genome position (GRCh38, 1-based): chr1:62,492,814, C>T on the plus strand (G>A on the coding strand, the complement: DOCK7 is on the minus strand). VCF-style: chr1-62492814-C-T. GRCh37 (hg19) VCF-style: chr1-62958485-C-T.
Other names: c.5224G>A, p.Val1742Ile (NM_001271999.2, NM_001330614.2); c.5131G>A, p.Val1711Ile (NM_001272000.2, NM_001272001.2); c.5158G>A, p.Val1720Ile (NM_033407.4); short protein forms V1742I, V1751I, V1711I, V1720I.
Identifiers: ClinVar variation 963433 (VCV000963433.7), dbSNP rs758110519, ClinGen allele CA885505.
Genomic context (GRCh38, chr1:62,492,814, plus strand): 5'-CAGTAAAGTATTTTCCAGAGCAGATACCTTCTTCATCTGGAGATACCACATCATCTGAGA[C>T]CGCAGATTCTTCTAAAACATTAGATGAAATATTCTAGGGAAAAAATATATTGAAAAGGTT-3'
Protein context (NP_001354490.1, residues 1741-1761): ISSNVLEESA[Val1751Ile]SDDVVSPDEE